The following is an entry in ClinVar:

NC_000010.10:g.(?_90332640)_(91222335_?)dup

Genes: FAS-AS1 (FAS antisense RNA 1; minus strand), ACTA2 (actin alpha 2, smooth muscle; minus strand), ANKRD22 (ankyrin repeat domain 22; minus strand), CH25H (cholesterol 25-hydroxylase; minus strand), FAS (Fas cell surface death receptor; plus strand) and 14 more. Cytogenetic location: 10q23.31.
Variant type: Duplication.
Identifiers: ClinVar variation 3244832 (VCV003244832.1).

ClinVar aggregate classification (germline): Uncertain significance (1 of 4 stars; one submission).

Conditions:
Autoimmune lymphoproliferative syndrome type 1. Also called: AUTOIMMUNE LYMPHOPROLIFERATIVE SYNDROME, TYPE I, AUTOSOMAL DOMINANT. Identifiers: Orphanet 3261, MedGen C2717884, MONDO:0011158, OMIM 601859.

Submission:

Labcorp Genetics (formerly Invitae), Labcorp
Classification: Uncertain significance for Autoimmune lymphoproliferative syndrome. Last evaluated: 2023-08-25. Review status: criteria provided, single submitter. Criteria: Invitae Variant Classification Sherloc (09022015). Collection method: clinical testing. Allele origin: unknown.
Comment: In summary, the available evidence is currently insufficient to determine the role of this variant in disease. Therefore, it has been classified as a Variant of Uncertain Significance. This variant has not been reported in the literature in individuals affected with FAS-related conditions. A copy number gain of the genomic region encompassing the full coding sequence of the FAS gene has been identified. The boundaries of this event are unknown as they extend beyond the assayed region for this gene and therefore may encompass additional genes. As the precise location of this event is unknown, it may be in tandem or it may be located elsewhere in the genome.